The following is an entry in ClinVar:

ClinVar aggregate classification (germline): Uncertain significance. Review status: criteria provided, multiple submitters, no conflicts (2 of 4 stars). 2 submissions from 2 submitters: Uncertain significance (2). Last evaluated 2026-06-29.

Submissions (2):

Ambry Genetics
Classification: Uncertain significance. Last evaluated: 2026-06-29. Review status: criteria provided, single submitter. Criteria: Ambry Variant Classification Scheme 2023. Collection method: clinical testing. Allele origin: germline.

GeneDx
Classification: Uncertain significance. Last evaluated: 2022-03-17. Review status: criteria provided, single submitter. Criteria: GeneDx Variant Classification Process June 2021. Collection method: clinical testing. Allele origin: germline. Affected: yes.
Comment: Not observed at significant frequency in large population cohorts (gnomAD); In silico analysis supports that this missense variant has a deleterious effect on protein structure/function; Has not been previously published as pathogenic or benign to our knowledge

NM_001001331.4(ATP2B2):c.2662G>A (p.Val888Met)

Gene: ATP2B2 (ATPase plasma membrane Ca2+ transporting 2; minus strand). Cytogenetic location: 3p25.3.
Variant type: single nucleotide variant.
Coding change: c.2662G>A on transcript NM_001001331.4 (MANE Select); coding-DNA position 2662, G replaced by A.
Protein change: p.Val888Met; replaces valine 888 with methionine.
Molecular consequence: missense variant.
Genome position (GRCh38, 1-based): chr3:10,345,425, C>T on the plus strand (G>A on the coding strand, the complement: ATP2B2 is on the minus strand). VCF-style: chr3-10345425-C-T. GRCh37 (hg19) VCF-style: chr3-10387109-C-T.
Other names: c.2527G>A, p.Val843Met (NM_001330611.3, NM_001353564.1, NM_001363862.1 and 1 more transcripts); short protein forms V843M, V888M.
Identifiers: ClinVar variation 1706378 (VCV001706378.3), dbSNP rs2470168715, ClinGen allele CA351778290.